The following is an entry in ClinVar:

NM_005144.5(HR):c.2733C>A (p.Ser911Arg)

Gene: HR (HR lysine demethylase and nuclear receptor corepressor; minus strand). Cytogenetic location: 8p21.3.
Variant type: single nucleotide variant.
Coding change: c.2733C>A on transcript NM_005144.5 (MANE Select); coding-DNA position 2733, C replaced by A.
Protein change: p.Ser911Arg; replaces serine 911 with arginine.
Molecular consequence: missense variant.
Genome position (GRCh38, 1-based): chr8:22,120,385, G>T on the plus strand (C>A on the coding strand, the complement: HR is on the minus strand). VCF-style: chr8-22120385-G-T. GRCh37 (hg19) VCF-style: chr8-21977898-G-T.
Other names: c.2733C>A, p.Ser911Arg (NM_018411.4); short protein forms S911R.
Identifiers: ClinVar variation 362487 (VCV000362487.10), dbSNP rs11990451, ClinGen allele CA4662034.

ClinVar aggregate classification (germline): Benign. Review status: criteria provided, multiple submitters, no conflicts (2 of 4 stars). 4 submissions from 3 submitters: Benign (4). Last evaluated 2026-02-02.

Conditions:
Alopecia universalis congenita (ALUNC). Also called: ATRICHIA, GENERALIZED. Identifiers: Orphanet 701, MedGen C1859877, MONDO:0008757, OMIM 203655.
Atrichia with papular lesions (APL). Also called: PAPULAR ATRICHIA. Identifiers: Orphanet 86819, MedGen C1859592, MONDO:0008847, OMIM 209500.

Allele frequency attached by ClinVar (database versions not stated): gnomAD exomes 0.01383; ExAC 0.01725; gnomAD 0.05167 and 0.05556; 1000 Genomes Project 0.05411; 1000 Genomes Project 30x 0.05668; ESP Exome Variant Server 0.05982; TOPMed 0.05985.
gnomAD v4.1: 15,887 of 1,613,912 alleles (0.98%); highest among the groups gnomAD compares: African/African-American, 18%; 1,311 homozygotes.

Submissions (4):

Labcorp Genetics (formerly Invitae), Labcorp
Classification: Benign. Last evaluated: 2026-02-02. Review status: criteria provided, single submitter. Criteria: Invitae Variant Classification Sherloc (09022015). Collection method: clinical testing. Allele origin: germline.

Illumina Laboratory Services, Illumina
Classification: Benign for Atrichia with papular lesions. Last evaluated: 2018-01-12. Review status: criteria provided, single submitter. Criteria: ICSL Variant Classification Criteria 13 December 2019. Collection method: clinical testing. Allele origin: germline.
Comment: This variant was observed in the ICSL laboratory as part of a predisposition screen in an ostensibly healthy population. It had not been previously curated by ICSL or reported in the Human Gene Mutation Database (HGMD: prior to June 1st, 2018), and was therefore a candidate for classification through an automated scoring system. Utilizing variant allele frequency, disease prevalence and penetrance estimates, and inheritance mode, an automated score was calculated to assess if this variant is too frequent to cause the disease. Based on the score and internal cut-off values, a variant classified as benign is not then subjected to further curation. The score for this variant resulted in a classification of benign for this disease.

Illumina Laboratory Services, Illumina
Classification: Benign for Alopecia universalis congenita. Last evaluated: 2018-01-12. Review status: criteria provided, single submitter. Criteria: ICSL Variant Classification Criteria 13 December 2019. Collection method: clinical testing. Allele origin: germline.
Comment: the same text as in the submission from Illumina Laboratory Services, Illumina above.

Breakthrough Genomics
Classification: Benign. Review status: criteria provided, single submitter. Criteria: ACMG Guidelines, 2015. Collection method: not provided. Allele origin: germline. Inheritance: Autosomal recessive inheritance. Affected: yes.